The following is an entry in ClinVar:

ClinVar aggregate classification (germline): Uncertain significance (1 of 4 stars; one submission).

Conditions:
Hereditary cancer-predisposing syndrome. Also called: Neoplastic Syndromes, Hereditary; Tumor predisposition; Hereditary Cancer Syndrome; Hereditary neoplastic syndrome. Identifiers: Orphanet 140162, MedGen C0027672, MeSH D009386, MONDO:0015356.

Submission:

Ambry Genetics
Classification: Uncertain significance for Hereditary cancer-predisposing syndrome. Last evaluated: 2020-11-04. Review status: criteria provided, single submitter. Criteria: Ambry Variant Classification Scheme 2023. Collection method: clinical testing. Allele origin: germline.
Comment: The p.D694A variant (also known as c.2081A>C), located in coding exon 12 of the PMS2 gene, results from an A to C substitution at nucleotide position 2081. The aspartic acid at codon 694 is replaced by alanine, an amino acid with dissimilar properties. This amino acid position is highly conserved in available vertebrate species. In addition, this alteration is predicted to be deleterious by in silico analysis. Since supporting evidence is limited at this time, the clinical significance of this alteration remains unclear.

NM_000535.7(PMS2):c.2081A>C (p.Asp694Ala)

Gene: PMS2 (PMS1 homolog 2, mismatch repair system component; minus strand). Cytogenetic location: 7p22.1.
Variant type: single nucleotide variant.
Coding change: c.2081A>C on transcript NM_000535.7 (MANE Select); coding-DNA position 2081, A replaced by C.
Protein change: p.Asp694Ala; replaces aspartic acid 694 with alanine.
Molecular consequence: missense variant. On other transcripts: non-coding transcript variant (1).
Genome position (GRCh38, 1-based): chr7:5,982,917, T>G on the plus strand (A>C on the coding strand, the complement: PMS2 is on the minus strand). VCF-style: chr7-5982917-T-G. GRCh37 (hg19) VCF-style: chr7-6022548-T-G.
Other names: c.1763A>C, p.Asp588Ala (NM_001406883.1, NM_001322007.2, NM_001322008.2 and 1 more transcripts); c.1715A>C, p.Asp572Ala (NM_001406886.1); c.1676A>C, p.Asp559Ala (NM_001406887.1, NM_001406888.1, NM_001406889.1 and 15 more transcripts); c.1757A>C, p.Asp586Ala (NM_001406884.1); c.1745A>C, p.Asp582Ala (NM_001406885.1); c.1925A>C, p.Asp642Ala (NM_001322006.2, NM_001406870.1); c.1520A>C, p.Asp507Ala (NM_001322010.2, NM_001406906.1, NM_001406907.1); c.1148A>C, p.Asp383Ala (NM_001322011.2, NM_001322012.2); and 13 more; short protein forms D437A, D503A, D559A, D582A, D586A, D642A, D536A, D591A.
Identifiers: ClinVar variation 1785564 (VCV001785564.2), dbSNP rs1554295876, ClinGen allele CA366738041.
Genomic context (GRCh38, chr7:5,982,917, plus strand): 5'-TGCTGCAGCATCTCGAAGTTATACTTCTCGTCCGTGGCATGCTGGTCCACTATGAAGATA[T>G]CCTCATTCAGTTTGGTTATTATAAATCCCAGGTTAAACTGACCAATGATTTCCATTTCTG-3'
Protein context (NP_000526.2, residues 684-704): LGFIITKLNE[Asp694Ala]IFIVDQHATD